The following is an entry in ClinVar:

NM_058179.4(PSAT1):c.293G>A (p.Cys98Tyr)

Gene: PSAT1 (phosphoserine aminotransferase 1; plus strand). Cytogenetic location: 9q21.2.
Variant type: single nucleotide variant.
Coding change: c.293G>A on transcript NM_058179.4 (MANE Select); coding-DNA position 293, G replaced by A.
Protein change: p.Cys98Tyr; replaces cysteine 98 with tyrosine.
Molecular consequence: missense variant.
Genome position (GRCh38, 1-based): chr9:78,304,836, G>A. VCF-style: chr9-78304836-G-A. GRCh37 (hg19) VCF-style: chr9-80919752-G-A.
Other names: c.293G>A, p.Cys98Tyr (NM_021154.5); short protein forms C98Y.
Identifiers: ClinVar variation 976877 (VCV000976877.8), dbSNP rs776667030, ClinGen allele CA5095574.

ClinVar aggregate classification (germline): Uncertain significance. Review status: criteria provided, single submitter (1 of 4 stars). 2 submissions from 2 submitters: Uncertain significance (1). 1 of the submissions does not count toward it. Last evaluated 2022-07-19.

Conditions:
Neu-Laxova syndrome 2. Identifiers: Orphanet 2671, Orphanet 583602, MedGen C4015019, MONDO:0014466, OMIM 616038.

Allele frequency attached by ClinVar (database versions not stated): gnomAD exomes below 0.00001; ExAC 0.00001.

Submissions (2):

Labcorp Genetics (formerly Invitae), Labcorp
Classification: Uncertain significance for Neu-Laxova syndrome 2. Last evaluated: 2022-07-19. Review status: criteria provided, single submitter. Criteria: Invitae Variant Classification Sherloc (09022015). Collection method: clinical testing. Allele origin: germline.
Comment: Algorithms developed to predict the effect of missense changes on protein structure and function (SIFT, PolyPhen-2, Align-GVGD) all suggest that this variant is likely to be tolerated. ClinVar contains an entry for this variant (Variation ID: 976877). This variant has not been reported in the literature in individuals affected with PSAT1-related conditions. This variant is present in population databases (rs776667030, gnomAD 0.003%). This sequence change replaces cysteine, which is neutral and slightly polar, with tyrosine, which is neutral and polar, at codon 98 of the PSAT1 protein (p.Cys98Tyr). Experimental studies have shown that this missense change does not substantially affect PSAT1 function (PMID: 32077105). In summary, the available evidence is currently insufficient to determine the role of this variant in disease. Therefore, it has been classified as a Variant of Uncertain Significance.

Dudley Research Group, Pacific Northwest Research Institute
No classification provided. Review status: no classification provided. Collection method: research, in vivo. Allele origin: unknown, not applicable. Functional consequence: functionally_normal. Not counted in ClinVar's aggregate classification.

Literature cited by the submitters: PubMed 32077105 (cited by Labcorp Genetics (formerly Invitae), Labcorp).